The following is an entry in ClinVar:

ClinVar aggregate classification (germline): Uncertain significance (1 of 4 stars; one submission).

Submission:

Labcorp Genetics (formerly Invitae), Labcorp
Classification: Uncertain significance. Last evaluated: 2022-07-13. Review status: criteria provided, single submitter. Criteria: Invitae Variant Classification Sherloc (09022015). Collection method: clinical testing. Allele origin: germline.
Comment: In summary, the available evidence is currently insufficient to determine the role of this variant in disease. Therefore, it has been classified as a Variant of Uncertain Significance. Algorithms developed to predict the effect of missense changes on protein structure and function are either unavailable or do not agree on the potential impact of this missense change (SIFT: "Tolerated"; PolyPhen-2: "Probably Damaging"; Align-GVGD: "Class C0"). This variant has not been reported in the literature in individuals affected with CAD-related conditions. This variant is not present in population databases (gnomAD no frequency). This sequence change replaces glycine, which is neutral and non-polar, with alanine, which is neutral and non-polar, at codon 1496 of the CAD protein (p.Gly1496Ala).

NM_004341.5(CAD):c.4487G>C (p.Gly1496Ala)

Gene: CAD (carbamoyl-phosphate synthetase 2, aspartate transcarbamylase, and dihydroorotase; plus strand). Cytogenetic location: 2p23.3.
Variant type: single nucleotide variant.
Coding change: c.4487G>C on transcript NM_004341.5 (MANE Select); coding-DNA position 4487, G replaced by C.
Protein change: p.Gly1496Ala; replaces glycine 1496 with alanine.
Molecular consequence: missense variant.
Genome position (GRCh38, 1-based): chr2:27,237,469, G>C. VCF-style: chr2-27237469-G-C. GRCh37 (hg19) VCF-style: chr2-27460337-G-C.
Other names: c.4298G>C, p.Gly1433Ala (NM_001306079.2); short protein forms G1433A, G1496A.
Identifiers: ClinVar variation 2088201 (VCV002088201.3), dbSNP rs2465345577, ClinGen allele CA346219958.
Genomic context (GRCh38, chr2:27,237,469, plus strand): 5'-AACCAGGTGGGACACATAAGGAGGACTTTGCTTCAGGCACAGCCGCTGCCCTGGCTGGGG[G>C]TATCACCATGGTGTGTGCCATGCCTAATACCCGGCCCCCCATCATTGACGCCCCTGCTCT-3'
Protein context (NP_004332.2, residues 1486-1506): ASGTAAALAG[Gly1496Ala]ITMVCAMPNT